The following is an entry in ClinVar:

ClinVar aggregate classification (germline): Conflicting classifications of pathogenicity. Review status: criteria provided, conflicting classifications (1 of 4 stars). 2 submissions from 2 submitters: Uncertain significance (1); Likely benign (1). Last evaluated 2024-04-12.

Conditions:
Walker-Warburg congenital muscular dystrophy. Also called: Muscular dystrophy-dystroglycanopathy, type A; Walker-Warburg syndrome. Identifiers: Orphanet 899, MedGen C0265221, MONDO:0000171.
Cardiovascular phenotype. Identifiers: MedGen CN230736.

Allele frequency attached by ClinVar (database versions not stated): ExAC 0.00001; gnomAD exomes 0.00001.
gnomAD v4.1: 6 of 1,606,582 alleles (0.00037%); highest among the groups gnomAD compares: Non-Finnish European, 0.00042%; no homozygotes.

Submissions (2):

Ambry Genetics
Classification: Likely benign for Cardiovascular phenotype. Last evaluated: 2024-04-12. Review status: criteria provided, single submitter. Criteria: Ambry Variant Classification Scheme 2023. Collection method: clinical testing. Allele origin: germline.

Labcorp Genetics (formerly Invitae), Labcorp
Classification: Uncertain significance for Walker-Warburg congenital muscular dystrophy. Last evaluated: 2022-08-12. Review status: criteria provided, single submitter. Criteria: Invitae Variant Classification Sherloc (09022015). Collection method: clinical testing. Allele origin: germline.
Comment: In summary, the available evidence is currently insufficient to determine the role of this variant in disease. Therefore, it has been classified as a Variant of Uncertain Significance. Algorithms developed to predict the effect of missense changes on protein structure and function output the following: SIFT: "Tolerated"; PolyPhen-2: "Benign"; Align-GVGD: "Class C0". The glycine amino acid residue is found in multiple mammalian species, which suggests that this missense change does not adversely affect protein function. ClinVar contains an entry for this variant (Variation ID: 845272). This variant has not been reported in the literature in individuals affected with FKRP-related conditions. This variant is present in population databases (rs768215450, gnomAD 0.001%). This sequence change replaces alanine, which is neutral and non-polar, with glycine, which is neutral and non-polar, at codon 42 of the FKRP protein (p.Ala42Gly).

NM_024301.5(FKRP):c.125C>G (p.Ala42Gly)

Gene: FKRP (fukutin related protein; plus strand). Cytogenetic location: 19q13.32.
Variant type: single nucleotide variant.
Coding change: c.125C>G on transcript NM_024301.5 (MANE Select); coding-DNA position 125, C replaced by G.
Protein change: p.Ala42Gly; replaces alanine 42 with glycine.
Molecular consequence: missense variant.
Genome position (GRCh38, 1-based): chr19:46,755,575, C>G. VCF-style: chr19-46755575-C-G. GRCh37 (hg19) VCF-style: chr19-47258832-C-G.
Other names: c.125C>G, p.Ala42Gly (NM_001039885.3); short protein forms A42G.
Identifiers: ClinVar variation 845272 (VCV000845272.11), dbSNP rs768215450, ClinGen allele CA9532115.